The following is an entry in ClinVar:

NM_000059.4(BRCA2):c.4838C>G (p.Pro1613Arg)

Gene: BRCA2 (BRCA2 DNA repair associated; plus strand). Cytogenetic location: 13q13.1.
Variant type: single nucleotide variant.
Coding change: c.4838C>G on transcript NM_000059.4 (MANE Select); coding-DNA position 4838, C replaced by G.
Protein change: p.Pro1613Arg; replaces proline 1613 with arginine.
Molecular consequence: missense variant.
Genome position (GRCh38, 1-based): chr13:32,339,193, C>G. VCF-style: chr13-32339193-C-G. GRCh37 (hg19) VCF-style: chr13-32913330-C-G.
Other names: short protein forms P1613R.
Identifiers: ClinVar variation 1020653 (VCV001020653.13), dbSNP rs1360725610, ClinGen allele CA387783343.

ClinVar aggregate classification (germline): Conflicting classifications of pathogenicity. Review status: criteria provided, conflicting classifications (1 of 4 stars). 2 submissions from 2 submitters: Uncertain significance (1); Likely benign (1). Last evaluated 2023-03-23.

Conditions:
Hereditary cancer-predisposing syndrome. Also called: Tumor predisposition; Neoplastic Syndromes, Hereditary; Hereditary neoplastic syndrome; Hereditary Cancer Syndrome. Identifiers: Orphanet 140162, MedGen C0027672, MeSH D009386, MONDO:0015356.
Hereditary breast ovarian cancer syndrome. Also called: BRCA1- and BRCA2-Associated Hereditary Breast and Ovarian Cancer; Hereditary breast and/or ovarian cancer syndrome; Hereditary breast and ovarian cancer syndrome; Hereditary breast and ovarian cancer; Hereditary breast and ovarian cancer syndrome (HBOC); Breast and ovarian cancer. Identifiers: Orphanet 145, MedGen C0677776, MeSH D061325, MONDO:0003582. Disease mechanism: loss of function.

Submissions (2):

University of Washington Department of Laboratory Medicine, University of Washington
Classification: Likely benign for Hereditary cancer-predisposing syndrome. Last evaluated: 2023-03-23. Review status: criteria provided, single submitter. Criteria: Dines et al. (Genet Med. 2020). Collection method: curation. Allele origin: germline.
Comment: Missense variant in a coldspot region where missense variants are very unlikely to be pathogenic (PMID:31911673).

BRCA2 exon 11 coldspot. Reclassification based on statistical prior probability.

Labcorp Genetics (formerly Invitae), Labcorp
Classification: Uncertain significance for Hereditary breast ovarian cancer syndrome. Last evaluated: 2020-01-31. Review status: criteria provided, single submitter. Criteria: Invitae Variant Classification Sherloc (09022015). Collection method: clinical testing. Allele origin: germline.
Comment: This sequence change replaces proline with arginine at codon 1613 of the BRCA2 protein (p.Pro1613Arg). The proline residue is moderately conserved and there is a moderate physicochemical difference between proline and arginine. This variant is not present in population databases (ExAC no frequency). This variant has not been reported in the literature in individuals with BRCA2-related conditions. Algorithms developed to predict the effect of missense changes on protein structure and function are either unavailable or do not agree on the potential impact of this missense change (SIFT: "Tolerated"; PolyPhen-2: "Probably Damaging"; Align-GVGD: "Class C0"). Algorithms developed to predict the effect of sequence changes on RNA splicing suggest that this variant may create or strengthen a splice site, but this prediction has not been confirmed by published transcriptional studies. In summary, the available evidence is currently insufficient to determine the role of this variant in disease. Therefore, it has been classified as a Variant of Uncertain Significance.